The following is an entry in ClinVar:

NM_000270.4(PNP):c.743A>G (p.Asp248Gly)

Gene: PNP (purine nucleoside phosphorylase; plus strand). Cytogenetic location: 14q11.2.
Variant type: single nucleotide variant.
Coding change: c.743A>G on transcript NM_000270.4 (MANE Select); coding-DNA position 743, A replaced by G.
Protein change: p.Asp248Gly; replaces aspartic acid 248 with glycine.
Molecular consequence: missense variant.
Genome position (GRCh38, 1-based): chr14:20,476,474, A>G. VCF-style: chr14-20476474-A-G. GRCh37 (hg19) VCF-style: chr14-20944633-A-G.
Other names: short protein forms D248G.
Identifiers: ClinVar variation 2126912 (VCV002126912.4), dbSNP rs2501836952, ClinGen allele CA389146057.
Genomic context (GRCh38, chr14:20,476,474, plus strand): 5'-CACGGCACTGTGGACTTCGAGTCTTTGGCTTCTCACTCATCACTAACAAGGTCATCATGG[A>G]TTATGAAAGCCTGGAGAAGGCCAACCATGAAGAAGTCTTAGCAGCTGGCAAACAAGCTGC-3'
Protein context (NP_000261.2, residues 238-258): FSLITNKVIM[Asp248Gly]YESLEKANHE

ClinVar aggregate classification (germline): Uncertain significance (1 of 4 stars; one submission).

Conditions:
Purine-nucleoside phosphorylase deficiency. Also called: NUCLEOSIDE PHOSPHORYLASE DEFICIENCY; Immunodeficiency due to purine nucleoside phosphorylase deficiency. Identifiers: Orphanet 760, MedGen C0268125, MONDO:0013171, OMIM 613179.

Submission:

Labcorp Genetics (formerly Invitae), Labcorp
Classification: Uncertain significance for Purine-nucleoside phosphorylase deficiency. Last evaluated: 2022-04-16. Review status: criteria provided, single submitter. Criteria: Invitae Variant Classification Sherloc (09022015). Collection method: clinical testing. Allele origin: germline.
Comment: This sequence change replaces aspartic acid, which is acidic and polar, with glycine, which is neutral and non-polar, at codon 248 of the PNP protein (p.Asp248Gly). This variant is not present in population databases (gnomAD no frequency). This variant has not been reported in the literature in individuals affected with PNP-related conditions. Algorithms developed to predict the effect of missense changes on protein structure and function are either unavailable or do not agree on the potential impact of this missense change (SIFT: "Deleterious"; PolyPhen-2: "Benign"; Align-GVGD: "Class C0"). In summary, the available evidence is currently insufficient to determine the role of this variant in disease. Therefore, it has been classified as a Variant of Uncertain Significance.